The following is an entry in ClinVar:

ClinVar aggregate classification (germline): Uncertain significance. Review status: criteria provided, multiple submitters, no conflicts (2 of 4 stars). 2 submissions from 2 submitters: Uncertain significance (2). Last evaluated 2023-03-21.

Allele frequency attached by ClinVar (database versions not stated): TOPMed 0.00002; 1000 Genomes Project 0.00020; 1000 Genomes Project 30x 0.00031.

Submissions (2):

GeneDx
Classification: Uncertain significance. Last evaluated: 2023-03-21. Review status: criteria provided, single submitter. Criteria: GeneDx Variant Classification Process June 2021. Collection method: clinical testing. Allele origin: germline. Affected: yes.
Comment: In silico analysis supports that this missense variant does not alter protein structure/function; Has not been previously published as pathogenic or benign to our knowledge

Labcorp Genetics (formerly Invitae), Labcorp
Classification: Uncertain significance. Last evaluated: 2022-10-13. Review status: criteria provided, single submitter. Criteria: Invitae Variant Classification Sherloc (09022015). Collection method: clinical testing. Allele origin: germline.
Comment: This sequence change replaces arginine, which is basic and polar, with glycine, which is neutral and non-polar, at codon 359 of the PDZD7 protein (p.Arg359Gly). This variant is present in population databases (rs554745483, gnomAD 0.03%). This variant has not been reported in the literature in individuals affected with PDZD7-related conditions. ClinVar contains an entry for this variant (Variation ID: 1491577). Advanced modeling of protein sequence and biophysical properties (such as structural, functional, and spatial information, amino acid conservation, physicochemical variation, residue mobility, and thermodynamic stability) performed at Invitae indicates that this missense variant is not expected to disrupt PDZD7 protein function. In summary, the available evidence is currently insufficient to determine the role of this variant in disease. Therefore, it has been classified as a Variant of Uncertain Significance.

NM_001195263.2(PDZD7):c.1075C>G (p.Arg359Gly)

Gene: PDZD7 (PDZ domain containing 7; minus strand). Cytogenetic location: 10q24.31.
Variant type: single nucleotide variant.
Coding change: c.1075C>G on transcript NM_001195263.2 (MANE Select); coding-DNA position 1075, C replaced by G.
Protein change: p.Arg359Gly; replaces arginine 359 with glycine.
Molecular consequence: missense variant.
Genome position (GRCh38, 1-based): chr10:101,019,071, G>C on the plus strand (C>G on the coding strand, the complement: PDZD7 is on the minus strand). VCF-style: chr10-101019071-G-C. GRCh37 (hg19) VCF-style: chr10-102778828-G-C.
Other names: c.1075C>G, p.Arg359Gly (NM_001351044.2, NM_024895.5); short protein forms R359G.
Identifiers: ClinVar variation 1491577 (VCV001491577.6), dbSNP rs554745483, ClinGen allele CA5654170.
Genomic context (GRCh38, chr10:101,019,071, plus strand): 5'-GGCCTCCCGCATCGGGCTCCGTCTGCATGGCTGTGTCCGCCCGCCCCCAGCCTGGGCCGC[G>C]GCTGCCGGGCTCCTCCTGCCCGAGGCAGATGTCCATGCGGTCCGACGGCAGGGAGCCCGA-3'
Protein context (NP_001182192.1, residues 349-369): ICLGQEEPGS[Arg359Gly]GPGWGRADTA